The following is an entry in ClinVar:

ClinVar aggregate classification (germline): Likely benign. Review status: criteria provided, multiple submitters, no conflicts (2 of 4 stars). 3 submissions from 3 submitters: Likely benign (3). Last evaluated 2025-01-09.

Conditions:
Severe myoclonic epilepsy in infancy (DRVT). Also called: Dravet syndrome; DEVELOPMENTAL AND EPILEPTIC ENCEPHALOPATHY 6A; Severe Myoclonic Epilepsy in Infancy (SMEI); Epileptic encephalopathy, early infantile, 6 (Dravet syndrome); SEVERE MYOCLONIC EPILEPSY OF INFANCY. Identifiers: Orphanet 33069, MedGen C0751122, MONDO:0100135, OMIM 607208.
Developmental and epileptic encephalopathy 6B. Also called: Developmental and epileptic encephalopathy 6B, non-Dravet. Identifiers: MedGen C5543353, MONDO:0030268, OMIM 619317.
Migraine, familial hemiplegic, 3. Identifiers: Orphanet 569, MedGen C1864987, MONDO:0012320, OMIM 609634.
Generalized epilepsy with febrile seizures plus, type 2 (GEFSP2). Also called: GEFS+, TYPE 2. Identifiers: Orphanet 36387, MedGen C1858673, MONDO:0011461, OMIM 604403.
Early-infantile DEE. Also called: Early infantile epileptic encephalopathy; Ohtahara syndrome; Early infantile epileptic encephalopathy with suppression bursts. Identifiers: Orphanet 1934, MedGen C0393706, MONDO:0800491.

Submissions (3):

Women's Health and Genetics/Laboratory Corporation of America, LabCorp
Classification: Likely benign. Last evaluated: 2025-01-09. Review status: criteria provided, single submitter. Criteria: LabCorp Variant Classification Summary - May 2015. Collection method: clinical testing. Allele origin: germline.
Comment: Variant summary: SCN1A c.2415+9A>G alters a non-conserved nucleotide located at a position not widely known to affect splicing. Consensus agreement among computation tools predict no significant impact on normal splicing. However, these predictions have yet to be confirmed by functional studies. The variant was absent in 251096 control chromosomes. The available data on variant occurrences in the general population are insufficient to allow any conclusion about variant significance. To our knowledge, no occurrence of c.2415+9A>G in individuals affected with SCN1A-Related Seizure Disorder and no experimental evidence demonstrating its impact on protein function have been reported. ClinVar contains an entry for this variant (Variation ID: 1492924). Based on the evidence outlined above, the variant was classified as likely benign.

Labcorp Genetics (formerly Invitae), Labcorp
Classification: Likely benign for Early-infantile DEE. Last evaluated: 2024-08-30. Review status: criteria provided, single submitter. Criteria: Invitae Variant Classification Sherloc (09022015). Collection method: clinical testing. Allele origin: germline.

Fulgent Genetics
Classification: Likely benign for Generalized epilepsy with febrile seizures plus, type 2; Severe myoclonic epilepsy in infancy; Migraine, familial hemiplegic, 3; Developmental and epileptic encephalopathy 6B. Last evaluated: 2022-03-30. Review status: criteria provided, single submitter. Criteria: ACMG Guidelines, 2015. Collection method: clinical testing. Allele origin: unknown.

NM_001165963.4(SCN1A):c.2415+9A>G

Gene: SCN1A (sodium voltage-gated channel alpha subunit 1; minus strand). Cytogenetic location: 2q24.3.
Variant type: single nucleotide variant.
Coding change: c.2415+9A>G on transcript NM_001165963.4 (MANE Select); 9 bases into the intron after coding-DNA position 2415, A replaced by G.
Molecular consequence: intron variant. On other transcripts: 5 prime UTR variant (1).
Genome position (GRCh38, 1-based): chr2:166,041,222, T>C on the plus strand (A>G on the coding strand, the complement: SCN1A is on the minus strand). VCF-style: chr2-166041222-T-C. GRCh37 (hg19) VCF-style: chr2-166897732-T-C.
Other names: c.-35A>G (NM_001353961.2); c.2382+9A>G (NM_001353949.2, NM_001353950.2, NM_001353951.2 and 2 more transcripts); c.2331+9A>G (NM_001353958.2, NM_001353957.2, NM_001165964.3); c.2415+9A>G (NM_001202435.3, NM_001353948.2); c.2379+9A>G (NM_001353955.2, NM_001353954.2); c.2328+9A>G (NM_001353960.2).
Identifiers: ClinVar variation 1492924 (VCV001492924.12), dbSNP rs2105827142, ClinGen allele CA2573133505.